The following is an entry in ClinVar:

ClinVar aggregate classification (germline): Conflicting classifications of pathogenicity. Review status: criteria provided, conflicting classifications (1 of 4 stars). 6 submissions from 6 submitters: Uncertain significance (4); Likely benign (2). Last evaluated 2025-12-16.

Conditions:
Danon disease. Also called: Glycogen Storage Disease Type IIb; ANTOPOL DISEASE; PSEUDOGLYCOGENOSIS II; GSD IIb; LYSOSOMAL GLYCOGEN STORAGE DISEASE WITHOUT ACID MALTASE DEFICIENCY. Identifiers: Orphanet 34587, MedGen C0878677, MONDO:0010281, OMIM 300257.
Cardiovascular phenotype. Identifiers: MedGen CN230736.

Allele frequency attached by ClinVar (database versions not stated): gnomAD exomes 0.00001; TOPMed 0.00002; gnomAD 0.00005.
gnomAD v4.1: 8 of 1,212,289 alleles (0.00066%); highest among the groups gnomAD compares: Non-Finnish European, 0.00089%; no homozygotes.

Submissions (6):

Labcorp Genetics (formerly Invitae), Labcorp
Classification: Likely benign for Danon disease. Last evaluated: 2025-12-16. Review status: criteria provided, single submitter. Criteria: Invitae Variant Classification Sherloc (09022015). Collection method: clinical testing. Allele origin: germline.

Blueprint Genetics
Classification: Uncertain significance. Last evaluated: 2024-01-18. Review status: criteria provided, single submitter. Criteria: ACMG Guidelines, 2015. Collection method: clinical testing. Allele origin: germline.

Ambry Genetics
Classification: Likely benign for Cardiovascular phenotype. Last evaluated: 2023-12-09. Review status: criteria provided, single submitter. Criteria: Ambry Variant Classification Scheme 2023. Collection method: clinical testing. Allele origin: germline.

Fulgent Genetics
Classification: Uncertain significance for Danon disease. Last evaluated: 2021-08-09. Review status: criteria provided, single submitter. Criteria: ACMG Guidelines, 2015. Collection method: clinical testing. Allele origin: unknown.

Laboratory for Molecular Medicine, Mass General Brigham Personalized Medicine
Classification: Uncertain significance. Last evaluated: 2021-05-06. Review status: criteria provided, single submitter. Criteria: ACMG Guidelines, 2015. Collection method: clinical testing. Allele origin: germline.
Comment: The p.Gly11Val variant in LAMP2 has been identified in at least 1 infant that harbored a disease-causing variant in another cardiomyopathy associated gene (LMM data). This variant has also been reported by other clinical laboratories in ClinVar (Variation ID: 163820) and has been identified in 0.009% (1/10812) of European chromosomes, including 1 hemizygote, by gnomAD. Computational prediction tools and conservation analyses do not provide strong support for or against an impact to the protein. In summary, the clinical significance of this variant is uncertain. ACMG/AMP Criteria applied: PM2_Supporting.

Mayo Clinic Laboratories, Mayo Clinic
Classification: Uncertain significance. Last evaluated: 2021-03-10. Review status: criteria provided, single submitter. Criteria: ACMG Guidelines, 2015. Collection method: clinical testing. Allele origin: germline.

NM_002294.3(LAMP2):c.32G>T (p.Gly11Val)

Gene: LAMP2 (lysosome associated membrane protein 2; minus strand). Cytogenetic location: Xq24.
Variant type: single nucleotide variant.
Coding change: c.32G>T on transcript NM_002294.3 (MANE Select); coding-DNA position 32, G replaced by T.
Protein change: p.Gly11Val; replaces glycine 11 with valine.
Molecular consequence: missense variant.
Genome position (GRCh38, 1-based): chrX:120,469,138, C>A on the plus strand (G>T on the coding strand, the complement: LAMP2 is on the minus strand). VCF-style: chrX-120469138-C-A. GRCh37 (hg19) VCF-style: chrX-119602993-C-A.
Other names: c.32G>T, p.Gly11Val (NM_001122606.1, NM_013995.2); short protein forms G11V.
Identifiers: ClinVar variation 163820 (VCV000163820.19), dbSNP rs3180515, ClinGen allele CA176530.
Genomic context (GRCh38, chrX:120,469,138, plus strand): 5'-GACTAATCGGGAGGGCCCGACAACTCACCCAGGACTAGGCAGACCAGAACGAGCCCTGAG[C>A]CCGGAACCGGGAAGAGGCGGAAGCACACCATGACCCCGCAGAGCAGGCGGCGACGGCGGC-3'
Protein context (NP_002285.1, residues 1-21): MVCFRLFPVP[Gly11Val]SGLVLVCLVL